The following is an entry in ClinVar:

ClinVar aggregate classification (germline): Conflicting classifications of pathogenicity. Review status: criteria provided, conflicting classifications (1 of 4 stars). 14 submissions from 14 submitters: Uncertain significance (1); Benign (7); Likely benign (2). 4 of the submissions do not count toward it. Last evaluated 2026-10-01.

Conditions:
Familial temporal lobe epilepsy 7. Identifiers: Orphanet 101046, MedGen C4225327, MONDO:0014639, OMIM 616436.
Norman-Roberts syndrome (LIS2). Also called: Lissencephaly 2 (Norman-Roberts type). Identifiers: Orphanet 89844, MedGen C0796089, MONDO:0009760, OMIM 257320.
RELN-related disorder. Also called: RELN-related condition.

Allele frequency attached by ClinVar (database versions not stated): 1000 Genomes Project 0.00339; 1000 Genomes Project 30x 0.00390; TOPMed 0.00415; gnomAD 0.00515 and 0.00540; ESP Exome Variant Server 0.00561; gnomAD exomes 0.00660 and 0.00703; ExAC 0.00671.
gnomAD v4.1: 11,059 of 1,614,100 alleles (0.69%); highest among the groups gnomAD compares: South Asian, 1.1%; 70 homozygotes.

Submissions (14):

CeGaT Center for Human Genetics Tuebingen
Classification: Benign. Last evaluated: 2026-10-01. Review status: criteria provided, single submitter. Criteria: CeGaT Center For Human Genetics Tuebingen Variant Classification Criteria Version 2. Collection method: clinical testing. Allele origin: germline. Affected: yes. Observed: 52 variant alleles.
Comment: RELN: BS1, BS2

Labcorp Genetics (formerly Invitae), Labcorp
Classification: Benign for Familial temporal lobe epilepsy 7; Norman-Roberts syndrome. Last evaluated: 2026-02-03. Review status: criteria provided, single submitter. Criteria: Invitae Variant Classification Sherloc (09022015). Collection method: clinical testing. Allele origin: germline.

Mayo Clinic Laboratories, Mayo Clinic
Classification: Benign. Last evaluated: 2023-11-15. Review status: criteria provided, single submitter. Criteria: ACMG Guidelines, 2015. Collection method: clinical testing. Allele origin: germline. Observed: 3 variant alleles.
Comment: BA1, BS2

GeneDx
Classification: Benign. Last evaluated: 2020-05-12. Review status: criteria provided, single submitter. Criteria: GeneDx Variant Classification Process June 2021. Collection method: clinical testing. Allele origin: germline. Affected: yes.
Comment: This variant is associated with the following publications: (PMID: 14515139, 29706646)

Athena Diagnostics
Classification: Benign. Last evaluated: 2017-10-25. Review status: criteria provided, single submitter. Criteria: Athena Diagnostics Criteria. Collection method: clinical testing. Allele origin: germline.

Lupski Lab, Baylor-Hopkins CMG, Baylor College of Medicine
Classification: Uncertain significance for Norman-Roberts syndrome. Last evaluated: 2017-09-01. Review status: criteria provided, single submitter. Criteria: Wiszniewski et al. (Eur J Hum Genet. 2018). Collection method: research. Allele origin: inherited, unknown. Inheritance: Autosomal recessive inheritance. Affected: yes and no. Observed: 2 variant alleles.

Illumina Laboratory Services, Illumina
Classification: Benign for Norman-Roberts syndrome. Last evaluated: 2017-04-27. Review status: criteria provided, single submitter. Criteria: ICSL Variant Classification Criteria 13 December 2019. Collection method: clinical testing. Allele origin: germline.
Comment: This variant was observed as part of a predisposition screen in an ostensibly healthy population. A literature search was performed for the gene, cDNA change, and amino acid change (where applicable). Publications were found based on this search. The evidence from the literature, in combination with allele frequency data from public databases where available, was sufficient to rule this variant out of causing disease. Therefore, this variant is classified as benign.

Center for Pediatric Genomic Medicine, Children's Mercy Hospital and Clinics
Classification: Likely benign. Last evaluated: 2017-04-12. Review status: criteria provided, single submitter. Criteria: ACMG Guidelines, 2015. Collection method: clinical testing. Allele origin: germline.

Genetic Services Laboratory, University of Chicago
Classification: Likely benign. Last evaluated: 2014-08-12. Review status: criteria provided, single submitter. Criteria: ACMG Guidelines, 2015. Collection method: clinical testing. Allele origin: germline.

Eurofins Ntd Llc (ga)
Classification: Benign. Last evaluated: 2014-05-28. Review status: criteria provided, single submitter. Criteria: EGL Classification Definitions 2015. Collection method: clinical testing. Allele origin: germline. Observed: 3 variant alleles, 3 heterozygotes.

PreventionGenetics, part of Exact Sciences
Classification: Benign for RELN-related condition. Last evaluated: 2019-05-17. Review status: no assertion criteria provided. Collection method: clinical testing. Allele origin: germline. Not counted in ClinVar's aggregate classification.
Comment: This variant is classified as benign based on ACMG/AMP sequence variant interpretation guidelines (Richards et al. 2015 PMID: 25741868, with internal and published modifications).

Clinical Genetics, Academic Medical Center
Classification: Benign. Review status: no assertion criteria provided. Collection method: clinical testing. Allele origin: germline. Affected: yes. Study: VKGL Data-share Consensus. Not counted in ClinVar's aggregate classification.

Genome Diagnostics Laboratory, University Medical Center Utrecht
Classification: Benign. Review status: no assertion criteria provided. Collection method: clinical testing. Allele origin: germline. Affected: yes. Study: VKGL Data-share Consensus. Not counted in ClinVar's aggregate classification.

Laboratory of Diagnostic Genome Analysis, Leiden University Medical Center (LUMC)
Classification: Likely benign. Review status: no assertion criteria provided. Collection method: clinical testing. Allele origin: germline. Affected: yes. Study: VKGL Data-share Consensus. Not counted in ClinVar's aggregate classification.

Literature cited by the submitters: PubMed 29706646 (cited by Mayo Clinic Laboratories, Mayo Clinic); PubMed 14515139 (cited by Athena Diagnostics and Illumina Laboratory Services, Illumina); PubMed 19319887 (cited by Athena Diagnostics and Illumina Laboratory Services, Illumina); PubMed 23334996 (cited by Illumina Laboratory Services, Illumina).

NM_005045.4(RELN):c.5156C>T (p.Ser1719Leu)

Gene: RELN (reelin; minus strand). Cytogenetic location: 7q22.1.
Variant type: single nucleotide variant.
Coding change: c.5156C>T on transcript NM_005045.4 (MANE Select); coding-DNA position 5156, C replaced by T.
Protein change: p.Ser1719Leu; replaces serine 1719 with leucine.
Molecular consequence: missense variant.
Genome position (GRCh38, 1-based): chr7:103,565,332, G>A on the plus strand (C>T on the coding strand, the complement: RELN is on the minus strand). VCF-style: chr7-103565332-G-A. GRCh37 (hg19) VCF-style: chr7-103205779-G-A.
Other names: c.5156C>T, p.Ser1719Leu (NM_173054.3); short protein forms S1719L.
Identifiers: ClinVar variation 130126 (VCV000130126.59), dbSNP rs115913736, ClinGen allele CA202627.